The following is an entry in ClinVar:

NM_001261826.3(AP3D1):c.1523G>C (p.Arg508Pro)

Gene: AP3D1 (adaptor related protein complex 3 subunit delta 1; minus strand). Cytogenetic location: 19p13.3.
Variant type: single nucleotide variant.
Coding change: c.1523G>C on transcript NM_001261826.3 (MANE Select); coding-DNA position 1523, G replaced by C.
Protein change: p.Arg508Pro; replaces arginine 508 with proline.
Molecular consequence: missense variant.
Genome position (GRCh38, 1-based): chr19:2,118,791, C>G on the plus strand (G>C on the coding strand, the complement: AP3D1 is on the minus strand). VCF-style: chr19-2118791-C-G. GRCh37 (hg19) VCF-style: chr19-2118790-C-G.
Other names: c.1523G>C, p.Arg508Pro (NM_001374799.1, NM_003938.8); short protein forms R508P.
Identifiers: ClinVar variation 1684459 (VCV001684459.1), dbSNP rs768071199, ClinGen allele CA403222063.

ClinVar aggregate classification (germline): Uncertain significance (0 of 4 stars; one submission).

Conditions:
Hermansky-Pudlak syndrome 2 (HPS2). Also called: Platelet defects and oculocutaneous albinism. Identifiers: Orphanet 183678, Orphanet 79430, MedGen C1842362, MONDO:0011997, OMIM 608233.

gnomAD v4.1: 13 of 1,613,704 alleles (0.00081%); highest among the groups gnomAD compares: Non-Finnish European, 0.001%; no homozygotes.

Submission:

ISTH-SSC Genomics in Thrombosis and Hemostasis, KU Leuven, Center for Molecular and Vascular Biology
Classification: Uncertain significance for Hermansky-Pudlak syndrome 2. Review status: no assertion criteria provided. Collection method: research. Allele origin: unknown. Affected: yes.
Comment: Submitted to GoldVariant by Dr Marie-Christine Morel-Kopp from Northern Blood Research Centre, Sydney, Australia